The following is an entry in ClinVar:

ClinVar aggregate classification (germline): Uncertain significance (1 of 4 stars; one submission).

gnomAD v4.1: 48 of 1,612,610 alleles (0.003%); highest among the groups gnomAD compares: South Asian, 0.018%; no homozygotes.

Submission:

GeneDx
Classification: Uncertain significance. Last evaluated: 2025-05-15. Review status: criteria provided, single submitter. Criteria: GeneDx Variant Classification Process June 2021. Collection method: clinical testing. Allele origin: germline. Affected: yes.
Comment: Not observed at significant frequency in large population cohorts (gnomAD); In silico analysis supports that this missense variant has a deleterious effect on protein structure/function; Has not been previously published as pathogenic or benign to our knowledge

NM_001243177.4(ALDOA):c.191C>T (p.Pro64Leu)

Genes: ALDOA (aldolase, fructose-bisphosphate A; plus strand), LOC112694756 (uncharaterized LOC112694756; plus strand). Cytogenetic location: 16p11.2.
Variant type: single nucleotide variant.
Coding change: c.191C>T on transcript NM_001243177.4 (MANE Select); coding-DNA position 191, C replaced by T.
Protein change: p.Pro64Leu; replaces proline 64 with leucine.
Molecular consequence: missense variant. On other transcripts: 3 prime UTR variant (3).
Genome position (GRCh38, 1-based): chr16:30,067,283, C>T. VCF-style: chr16-30067283-C-T. GRCh37 (hg19) VCF-style: chr16-30078604-C-T.
Other names: c.*538C>T (NM_001365304.2, NM_001365305.2, NM_001365307.2); c.29C>T, p.Pro10Leu (NM_001127617.2, NM_184041.5, NM_184043.2); short protein forms P10L, P64L.
Identifiers: ClinVar variation 4529654 (VCV004529654.1).